The following is an entry in ClinVar:

NM_020975.6(RET):c.830A>G (p.Asp277Gly)

Gene: RET (ret proto-oncogene; plus strand). Cytogenetic location: 10q11.21.
Variant type: single nucleotide variant.
Coding change: c.830A>G on transcript NM_020975.6 (MANE Select); coding-DNA position 830, A replaced by G.
Protein change: p.Asp277Gly; replaces aspartic acid 277 with glycine.
Molecular consequence: missense variant.
Genome position (GRCh38, 1-based): chr10:43,105,156, A>G. VCF-style: chr10-43105156-A-G. GRCh37 (hg19) VCF-style: chr10-43600604-A-G.
Other names: c.830A>G, p.Asp277Gly (NM_000323.2, NM_001406743.1, NM_001406744.1 and 8 more transcripts); c.68A>G, p.Asp23Gly (NM_001355216.2); c.701A>G, p.Asp234Gly (NM_001406761.1, NM_001406762.1, NM_001406764.1 and 2 more transcripts); c.542A>G, p.Asp181Gly (NM_001406766.1, NM_001406767.1, NM_001406770.1); short protein forms D23G, D277G, D181G, D234G.
Identifiers: ClinVar variation 2061872 (VCV002061872.5), dbSNP rs2538390287, ClinGen allele CA376545252.

ClinVar aggregate classification (germline): Uncertain significance. Review status: criteria provided, multiple submitters, no conflicts (2 of 4 stars). 2 submissions from 2 submitters: Uncertain significance (2). Last evaluated 2024-01-20.

Conditions:
Multiple endocrine neoplasia, type 2 (MEN2). Identifiers: Orphanet 653, MedGen C4048306, MONDO:0019003. Disease mechanism: gain of function.
Hirschsprung disease, susceptibility to, 1 (HSCR1). Also called: RET-Related Hirschsprung Disease. Identifiers: Orphanet 388, MedGen C3888239, MONDO:0007723, OMIM 142623.

Allele frequency attached by ClinVar (database versions not stated): gnomAD exomes below 0.00001.
gnomAD v4.1: 2 of 1,612,684 alleles (0.00012%); highest among the groups gnomAD compares: Non-Finnish European, 0.00017%; no homozygotes.

Submissions (2):

Baylor Genetics
Classification: Uncertain significance for Hirschsprung disease, susceptibility to, 1. Last evaluated: 2024-01-20. Review status: criteria provided, single submitter. Criteria: ACMG Guidelines, 2015. Collection method: clinical testing. Allele origin: unknown.

Labcorp Genetics (formerly Invitae), Labcorp
Classification: Uncertain significance for Multiple endocrine neoplasia, type 2. Last evaluated: 2022-05-14. Review status: criteria provided, single submitter. Criteria: Invitae Variant Classification Sherloc (09022015). Collection method: clinical testing. Allele origin: germline.
Comment: In summary, the available evidence is currently insufficient to determine the role of this variant in disease. Therefore, it has been classified as a Variant of Uncertain Significance. Algorithms developed to predict the effect of missense changes on protein structure and function output the following: SIFT: "Tolerated"; PolyPhen-2: "Benign"; Align-GVGD: "Class C0". The glycine amino acid residue is found in multiple mammalian species, which suggests that this missense change does not adversely affect protein function. This variant has not been reported in the literature in individuals affected with RET-related conditions. This variant is not present in population databases (gnomAD no frequency). This sequence change replaces aspartic acid, which is acidic and polar, with glycine, which is neutral and non-polar, at codon 277 of the RET protein (p.Asp277Gly).